The following is an entry in ClinVar:

NM_000835.6(GRIN2C):c.3333C>G (p.His1111Gln)

Gene: GRIN2C (glutamate ionotropic receptor NMDA type subunit 2C; minus strand). Cytogenetic location: 17q25.1.
Variant type: single nucleotide variant.
Coding change: c.3333C>G on transcript NM_000835.6 (MANE Select); coding-DNA position 3333, C replaced by G.
Protein change: p.His1111Gln; replaces histidine 1111 with glutamine.
Molecular consequence: missense variant. On other transcripts: non-coding transcript variant (1).
Genome position (GRCh38, 1-based): chr17:74,842,804, G>C on the plus strand (C>G on the coding strand, the complement: GRIN2C is on the minus strand). VCF-style: chr17-74842804-G-C. GRCh37 (hg19) VCF-style: chr17-72838943-G-C.
Other names: short protein forms H1111Q.
Identifiers: ClinVar variation 3048290 (VCV003048290.2), dbSNP rs374432441, ClinGen allele CA8751985.

ClinVar aggregate classification (germline): Likely benign (0 of 4 stars; one submission).

Conditions:
GRIN2C-related disorder. Also called: GRIN2C-related condition.

Allele frequency attached by ClinVar (database versions not stated): gnomAD exomes 0.00013; ExAC 0.00030; gnomAD 0.00125; TOPMed 0.00137; 1000 Genomes Project 0.00200; 1000 Genomes Project 30x 0.00219.
gnomAD v4.1: 289 of 619,024 alleles (0.047%); highest among the groups gnomAD compares: African/African-American, 0.42%; 4 homozygotes.

Submission:

PreventionGenetics, part of Exact Sciences
Classification: Likely benign for GRIN2C-related condition. Last evaluated: 2022-07-21. Review status: no assertion criteria provided. Collection method: clinical testing. Allele origin: germline.
Comment: This variant is classified as likely benign based on ACMG/AMP sequence variant interpretation guidelines (Richards et al. 2015 PMID: 25741868, with internal and published modifications).